The following is an entry in ClinVar:

NM_004415.4(DSP):c.7738G>T (p.Asp2580Tyr)

Gene: DSP (desmoplakin; plus strand). Cytogenetic location: 6p24.3.
Variant type: single nucleotide variant.
Coding change: c.7738G>T on transcript NM_004415.4 (MANE Select); coding-DNA position 7738, G replaced by T.
Protein change: p.Asp2580Tyr; replaces aspartic acid 2580 with tyrosine.
Molecular consequence: missense variant.
Genome position (GRCh38, 1-based): chr6:7,585,000, G>T. VCF-style: chr6-7585000-G-T. GRCh37 (hg19) VCF-style: chr6-7585233-G-T.
Other names: c.5941G>T, p.Asp1981Tyr (NM_001008844.3); c.6409G>T, p.Asp2137Tyr (NM_001319034.2); c.7738G>T (LRG_423t1); short protein forms D2580Y, D2137Y, D1981Y.
Identifiers: ClinVar variation 264394 (VCV000264394.25), dbSNP rs371129517, ClinGen allele CA050590.

ClinVar aggregate classification (germline): Conflicting classifications of pathogenicity. Review status: criteria provided, conflicting classifications (1 of 4 stars). 7 submissions from 7 submitters: Uncertain significance (6); Benign (1). Last evaluated 2026-01-02.

Conditions:
Arrhythmogenic right ventricular dysplasia 8 (ARVD8). Also called: Arrhythmogenic Right Ventricular Dysplasia/Cardiomyopathy 8; ARRHYTHMOGENIC RIGHT VENTRICULAR DYSPLASIA, FAMILIAL, 8; ARRHYTHMOGENIC RIGHT VENTRICULAR CARDIOMYOPATHY 8. Identifiers: MedGen C1843896, MONDO:0011831, OMIM 607450.
Arrhythmogenic cardiomyopathy with wooly hair and keratoderma. Also called: PALMOPLANTAR KERATODERMA WITH LEFT VENTRICULAR CARDIOMYOPATHY AND WOOLLY HAIR; Dilated cardiomyopathy with woolly hair and keratoderma; Arrhythmogenic cardiomyopathy with woolly hair and keratoderma; Carvajal syndrome. Identifiers: Orphanet 65282, MedGen C1854063, MONDO:0011581, OMIM 605676.
Cardiomyopathy (CMYO). Also called: Cardiomyopathies. Identifiers: Orphanet 167848, MedGen C0878544, MONDO:0004994, HP:0001638. Inheritance: Various modes of inheritance.
Cardiovascular phenotype. Identifiers: MedGen CN230736.

Allele frequency attached by ClinVar (database versions not stated): gnomAD exomes below 0.00001 and 0.00001; ExAC 0.00001; gnomAD 0.00003 and 0.00004; TOPMed 0.00006; ESP Exome Variant Server 0.00008; 1000 Genomes Project 30x 0.00016; 1000 Genomes Project 0.00020.
gnomAD v4.1: 11 of 1,614,208 alleles (0.00068%); highest among the groups gnomAD compares: African/African-American, 0.013%; no homozygotes.

Submissions (7):

Women's Health and Genetics/Laboratory Corporation of America, LabCorp
Classification: Uncertain significance. Last evaluated: 2026-01-02. Review status: criteria provided, single submitter. Criteria: LabCorp Variant Classification Summary - May 2015. Collection method: clinical testing. Allele origin: germline.

Labcorp Genetics (formerly Invitae), Labcorp
Classification: Benign for Arrhythmogenic cardiomyopathy with wooly hair and keratoderma; Arrhythmogenic right ventricular dysplasia 8. Last evaluated: 2025-12-16. Review status: criteria provided, single submitter. Criteria: Invitae Variant Classification Sherloc (09022015). Collection method: clinical testing. Allele origin: germline.

Ambry Genetics
Classification: Uncertain significance for Cardiovascular phenotype. Last evaluated: 2024-09-02. Review status: criteria provided, single submitter. Criteria: Ambry Variant Classification Scheme 2023. Collection method: clinical testing. Allele origin: germline.
Comment: The p.D2580Y variant (also known as c.7738G>T), located in coding exon 24 of the DSP gene, results from a G to T substitution at nucleotide position 7738. The aspartic acid at codon 2580 is replaced by tyrosine, an amino acid with highly dissimilar properties. This variant has been reported in a hypertrophic cardiomyopathy cohort; however, clinical details were limited (Lopes LR et al. Heart. 2015;101(4):294-301). This amino acid position is not well conserved in available vertebrate species. In addition, this alteration is predicted to be tolerated by in silico analysis. Since supporting evidence is limited at this time, the clinical significance of this alteration remains unclear.

GeneDx
Classification: Uncertain significance. Last evaluated: 2024-04-17. Review status: criteria provided, single submitter. Criteria: GeneDx Variant Classification Process June 2021. Collection method: clinical testing. Allele origin: germline. Affected: yes.
Comment: Not observed at a significant frequency in large population cohorts (gnomAD); In silico analysis supports that this missense variant does not alter protein structure/function; Has not been previously published as pathogenic or benign to our knowledge

All of Us Research Program, National Institutes of Health
Classification: Uncertain significance for Arrhythmogenic cardiomyopathy with wooly hair and keratoderma. Last evaluated: 2023-11-20. Review status: criteria provided, single submitter. Criteria: ACMG Guidelines, 2015. Collection method: clinical testing. Allele origin: germline. Inheritance: Autosomal dominant inheritance. Observed: 3 variant alleles, 3 heterozygotes.
Comment: This missense variant replaces aspartic acid with tyrosine at codon 2580 of the DSP protein. Computational prediction suggests that this variant may not impact protein structure and function (internally defined REVEL score threshold <= 0.5, PMID: 27666373). To our knowledge, functional studies have not been reported for this variant. This variant has been reported in one individual affected with hypertrophic cardiomyopathy (PMID: 25351510). This variant has been identified in 4/282888 chromosomes in the general population by the Genome Aggregation Database (gnomAD). The available evidence is insufficient to determine the role of this variant in disease conclusively. Therefore, this variant is classified as a Variant of Uncertain Significance.

This study involves interpretation of variants in research participants for the purpose of population health screening. Participant phenotype was not available at the time of variant classification. Additional details can be found in publication PMID: 35346344, PMCID: PMC8962531

Color Diagnostics, LLC DBA Color Health
Classification: Uncertain significance for Cardiomyopathy. Last evaluated: 2023-10-06. Review status: criteria provided, single submitter. Criteria: ACMG Guidelines, 2015. Collection method: clinical testing. Allele origin: germline.
Comment: This missense variant replaces aspartic acid with tyrosine at codon 2580 of the DSP protein. Computational prediction suggests that this variant may not impact protein structure and function (internally defined REVEL score threshold <= 0.5, PMID: 27666373). To our knowledge, functional studies have not been reported for this variant. This variant has been reported in one individual affected with hypertrophic cardiomyopathy (PMID: 25351510). This variant has been identified in 4/282888 chromosomes in the general population by the Genome Aggregation Database (gnomAD). The available evidence is insufficient to determine the role of this variant in disease conclusively. Therefore, this variant is classified as a Variant of Uncertain Significance.

Laboratory for Molecular Medicine, Mass General Brigham Personalized Medicine
Classification: Uncertain significance. Last evaluated: 2018-02-07. Review status: criteria provided, single submitter. Criteria: LMM Criteria. Collection method: clinical testing. Allele origin: germline. Observed: 1 variant allele.
Comment: The p.Asp2580Tyr variant in DSP has not been previously reported in individuals with cardiomyopathy, but has been identified in 4/24036 African chromosomes by t he Genome Aggregation Database (gnomAD; dbSNP rs371129517). This variant has been reported in ClinVar (Variation ID: 264394). Please note that for diseases with clinical variability, reduced penetrance, or recessive inheritance, pathogenic variants may be present at a low frequency in the general population. Computational prediction tools and conservation analysi s do not provide strong support for or against an impact to the protein. In summ ary, the clinical significance of the p.Asp2580Tyr variant is uncertain. ACMG/AM P Criteria applied: None (Richards 2015).

Literature cited by the submitters: PubMed 25351510 (cited by All of Us Research Program, National Institutes of Health and Color Diagnostics, LLC DBA Color Health).